The following is an entry in ClinVar:

ClinVar aggregate classification (germline): Uncertain significance. Review status: criteria provided, multiple submitters, no conflicts (2 of 4 stars). 2 submissions from 2 submitters: Uncertain significance (2). Last evaluated 2024-01-09.

Conditions:
Fanconi anemia complementation group D2. Also called: FANCD2-Related Fanconi Anemia; FANCONI PANCYTOPENIA, TYPE 4; FANCONI ANEMIA, COMPLEMENTATION GROUP D. Identifiers: Orphanet 84, MedGen C3160738, MONDO:0009214, OMIM 227646.
Fanconi anemia (FA). Also called: Fanconi's anemia. Identifiers: Orphanet 84, MedGen C0015625, MeSH D005199, MONDO:0019391.

Allele frequency attached by ClinVar (database versions not stated): gnomAD exomes below 0.00001.
gnomAD v4.1: 4 of 1,612,494 alleles (0.00025%); highest among the groups gnomAD compares: Non-Finnish European, 0.000085%; no homozygotes.

Submissions (2):

Fulgent Genetics
Classification: Uncertain significance for Fanconi anemia complementation group D2. Last evaluated: 2024-01-09. Review status: criteria provided, single submitter. Criteria: ACMG Guidelines, 2015. Collection method: clinical testing. Allele origin: germline.

Labcorp Genetics (formerly Invitae), Labcorp
Classification: Uncertain significance for Fanconi anemia. Last evaluated: 2020-03-16. Review status: criteria provided, single submitter. Criteria: Invitae Variant Classification Sherloc (09022015). Collection method: clinical testing. Allele origin: germline.
Comment: This sequence change falls in intron 15 of the FANCD2 gene. It does not directly change the encoded amino acid sequence of the FANCD2 protein, but it affects a nucleotide within the consensus splice site of the intron. In summary, the available evidence is currently insufficient to determine the role of this variant in disease. Therefore, it has been classified as a Variant of Uncertain Significance. Nucleotide substitutions within the consensus splice site are a relatively common cause of aberrant splicing (PMID: 17576681, 9536098). Algorithms developed to predict the effect of sequence changes on RNA splicing suggest that this variant is not likely to affect RNA splicing, but this prediction has not been confirmed by published transcriptional studies. This variant has not been reported in the literature in individuals with FANCD2-related conditions. This variant is not present in population databases (ExAC no frequency).

Literature cited by the submitters: PubMed 17576681 (cited by Labcorp Genetics (formerly Invitae), Labcorp); PubMed 9536098 (cited by Labcorp Genetics (formerly Invitae), Labcorp).

NM_001018115.3(FANCD2):c.1279-3A>T

Genes: FANCD2 (FA complementation group D2; plus strand), LOC107303338 (3p25 FANCD2 Alu-mediated recombination region; plus strand). Cytogenetic location: 3p25.3.
Variant type: single nucleotide variant.
Coding change: c.1279-3A>T on transcript NM_001018115.3 (MANE Select); 3 bases into the intron before coding-DNA position 1279, A replaced by T.
Molecular consequence: intron variant.
Genome position (GRCh38, 1-based): chr3:10,047,914, A>T. VCF-style: chr3-10047914-A-T. GRCh37 (hg19) VCF-style: chr3-10089598-A-T.
Other names: c.1279-3A>T (NM_001319984.2, NM_001374253.1, NM_033084.6 and 2 more transcripts).
Identifiers: ClinVar variation 1044194 (VCV001044194.9), dbSNP rs1354341272, ClinGen allele CA540893325.
Genomic context (GRCh38, chr3:10,047,914, plus strand): 5'-CTTAGGTTGTGTACTAACTGTTTCCTACAGCTTCTTTTCTCTCTCTACTCTTCCCCACTC[A>T]AGGTTCTTAAGGATATGTGTTCATCCATTCTGTCGCTGGCTCAGAGTTTGCTTCACTCTC-3'